The following is an entry in ClinVar:

NM_053025.4(MYLK):c.4262T>C (p.Leu1421Pro)

Gene: MYLK (myosin light chain kinase; minus strand). Cytogenetic location: 3q21.1.
Variant type: single nucleotide variant.
Coding change: c.4262T>C on transcript NM_053025.4 (MANE Select); coding-DNA position 4262, T replaced by C.
Protein change: p.Leu1421Pro; replaces leucine 1421 with proline.
Molecular consequence: missense variant.
Genome position (GRCh38, 1-based): chr3:123,657,152, A>G on the plus strand (T>C on the coding strand, the complement: MYLK is on the minus strand). VCF-style: chr3-123657152-A-G. GRCh37 (hg19) VCF-style: chr3-123375999-A-G.
Other names: c.3734T>C, p.Leu1245Pro (NM_001321309.2); c.4055T>C, p.Leu1352Pro (NM_053026.4, NM_053028.4); c.4262T>C, p.Leu1421Pro (NM_053027.4); short protein forms L1245P, L1352P, L1421P.
Identifiers: ClinVar variation 1999714 (VCV001999714.1), dbSNP rs2473535089, ClinGen allele CA354227779.

ClinVar aggregate classification (germline): Uncertain significance (1 of 4 stars; one submission).

Conditions:
Aortic aneurysm, familial thoracic 7 (AAT7). Also called: AORTIC DISSECTION, FAMILIAL, WITH OR WITHOUT AORTIC ANEURYSM. Identifiers: MedGen C3151077, MONDO:0013418, OMIM 613780.

Submission:

Labcorp Genetics (formerly Invitae), Labcorp
Classification: Uncertain significance for Aortic aneurysm, familial thoracic 7. Last evaluated: 2022-05-27. Review status: criteria provided, single submitter. Criteria: Invitae Variant Classification Sherloc (09022015). Collection method: clinical testing. Allele origin: germline.
Comment: This sequence change replaces leucine, which is neutral and non-polar, with proline, which is neutral and non-polar, at codon 1421 of the MYLK protein (p.Leu1421Pro). This variant is not present in population databases (gnomAD no frequency). This variant has not been reported in the literature in individuals affected with MYLK-related conditions. Advanced modeling of protein sequence and biophysical properties (such as structural, functional, and spatial information, amino acid conservation, physicochemical variation, residue mobility, and thermodynamic stability) performed at Invitae indicates that this missense variant is not expected to disrupt MYLK protein function. In summary, the available evidence is currently insufficient to determine the role of this variant in disease. Therefore, it has been classified as a Variant of Uncertain Significance.